The following is an entry in ClinVar:

NM_020937.4(FANCM):c.5249C>T (p.Pro1750Leu)

Gene: FANCM (FA complementation group M; plus strand). Cytogenetic location: 14q21.2.
Variant type: single nucleotide variant.
Coding change: c.5249C>T on transcript NM_020937.4 (MANE Select); coding-DNA position 5249, C replaced by T.
Protein change: p.Pro1750Leu; replaces proline 1750 with leucine.
Molecular consequence: missense variant.
Genome position (GRCh38, 1-based): chr14:45,189,271, C>T. VCF-style: chr14-45189271-C-T. GRCh37 (hg19) VCF-style: chr14-45658474-C-T.
Other names: c.5171C>T, p.Pro1724Leu (NM_001308133.2); short protein forms P1724L, P1750L.
Identifiers: ClinVar variation 1722867 (VCV001722867.7), dbSNP rs1251989664, ClinGen allele CA389613092.

ClinVar aggregate classification (germline): Uncertain significance. Review status: criteria provided, multiple submitters, no conflicts (2 of 4 stars). 2 submissions from 2 submitters: Uncertain significance (2). Last evaluated 2024-05-31.

Conditions:
Fanconi anemia (FA). Also called: Fanconi's anemia. Identifiers: Orphanet 84, MedGen C0015625, MeSH D005199, MONDO:0019391.

Allele frequency attached by ClinVar (database versions not stated): gnomAD exomes 0.00001; TOPMed 0.00002.
gnomAD v4.1: 17 of 1,613,570 alleles (0.0011%); highest among the groups gnomAD compares: Middle Eastern, 0.082%; no homozygotes.

Submissions (2):

GeneDx
Classification: Uncertain significance. Last evaluated: 2024-05-31. Review status: criteria provided, single submitter. Criteria: GeneDx Variant Classification Process June 2021. Collection method: clinical testing. Allele origin: germline. Affected: yes.
Comment: Not observed at significant frequency in large population cohorts (gnomAD); In silico analysis supports that this missense variant has a deleterious effect on protein structure/function; Has not been previously published as pathogenic or benign to our knowledge

Labcorp Genetics (formerly Invitae), Labcorp
Classification: Uncertain significance for Fanconi anemia. Last evaluated: 2023-09-10. Review status: criteria provided, single submitter. Criteria: Invitae Variant Classification Sherloc (09022015). Collection method: clinical testing. Allele origin: germline.
Comment: Algorithms developed to predict the effect of missense changes on protein structure and function output the following: SIFT: "Not Available"; PolyPhen-2: "Benign"; Align-GVGD: "Not Available". The leucine amino acid residue is found in multiple mammalian species, which suggests that this missense change does not adversely affect protein function. ClinVar contains an entry for this variant (Variation ID: 1722867). This variant has not been reported in the literature in individuals affected with FANCM-related conditions. This variant is present in population databases (no rsID available, gnomAD 0.004%). This sequence change replaces proline, which is neutral and non-polar, with leucine, which is neutral and non-polar, at codon 1750 of the FANCM protein (p.Pro1750Leu). In summary, the available evidence is currently insufficient to determine the role of this variant in disease. Therefore, it has been classified as a Variant of Uncertain Significance.